The following is an entry in ClinVar:

ClinVar aggregate classification (germline): Uncertain significance (1 of 4 stars; one submission).

gnomAD v4.1: 3 of 1,614,136 alleles (0.00019%); highest among the groups gnomAD compares: African/African-American, 0.0013%; no homozygotes.

Submission:

GeneDx
Classification: Uncertain significance. Last evaluated: 2026-02-18. Review status: criteria provided, single submitter. Criteria: GeneDx Variant Classification Process June 2021. Collection method: clinical testing. Allele origin: germline.
Comment: Not observed at significant frequency in large population cohorts (gnomAD); In silico analysis suggests that this missense variant does not alter protein structure/function; Has not been previously published as pathogenic or benign to our knowledge

NM_001038603.3(MARVELD2):c.871C>G (p.Leu291Val)

Gene: MARVELD2 (MARVEL domain containing 2; plus strand). Cytogenetic location: 5q13.2.
Variant type: single nucleotide variant.
Coding change: c.871C>G on transcript NM_001038603.3 (MANE Select); coding-DNA position 871, C replaced by G.
Protein change: p.Leu291Val; replaces leucine 291 with valine.
Molecular consequence: missense variant.
Genome position (GRCh38, 1-based): chr5:69,420,256, C>G. VCF-style: chr5-69420256-C-G. GRCh37 (hg19) VCF-style: chr5-68716083-C-G.
Other names: c.871C>G, p.Leu291Val (NM_001244734.2); short protein forms L291V.
Identifiers: ClinVar variation 4795423 (VCV004795423.2).